The following is an entry in ClinVar:

NM_000038.6(APC):c.3724C>T (p.Gln1242Ter)

Gene: APC (APC regulator of Wnt signaling pathway; plus strand). Cytogenetic location: 5q22.2.
Variant type: single nucleotide variant.
Coding change: c.3724C>T on transcript NM_000038.6 (MANE Select); coding-DNA position 3724, C replaced by T.
Protein change: p.Gln1242Ter; replaces glutamine 1242 with a stop codon.
Molecular consequence: nonsense.
Genome position (GRCh38, 1-based): chr5:112,839,318, C>T. VCF-style: chr5-112839318-C-T. GRCh37 (hg19) VCF-style: chr5-112175015-C-T.
Other names: c.3724C>T, p.Gln1242Ter (NM_001127510.3, NM_001354895.2); c.3670C>T, p.Gln1224Ter (NM_001127511.3); c.3778C>T, p.Gln1260Ter (NM_001354896.2); c.3754C>T, p.Gln1252Ter (NM_001354897.2); c.3649C>T, p.Gln1217Ter (NM_001354898.2); c.3640C>T, p.Gln1214Ter (NM_001354899.2); c.3601C>T, p.Gln1201Ter (NM_001354900.2); c.3547C>T, p.Gln1183Ter (NM_001354901.2); and 5 more; short protein forms Q1082*, Q1116*, Q1141*, Q1151*, Q1183*, Q1201*, Q1214*, Q1217*.
Identifiers: ClinVar variation 1070306 (VCV001070306.26), dbSNP rs1460397656, ClinGen allele CA16029505.

ClinVar aggregate classification (germline): Pathogenic. Review status: criteria provided, multiple submitters, no conflicts (2 of 4 stars). 3 submissions from 3 submitters: Pathogenic (2). 1 of the submissions does not count toward it. Last evaluated 2023-05-09.

Conditions:
Familial adenomatous polyposis 1 (FAP1). Also called: FAMILIAL ADENOMATOUS POLYPOSIS 1, ATTENUATED; POLYPOSIS, ADENOMATOUS INTESTINAL. Identifiers: MedGen C2713442, MONDO:0021056, OMIM 175100. Disease mechanism: loss of function.

Submissions (3):

Myriad Genetics, Inc.
Classification: Pathogenic for Familial adenomatous polyposis 1. Last evaluated: 2023-05-09. Review status: criteria provided, single submitter. Criteria: Myriad Autosomal Dominant, Autosomal Recessive and X-Linked Classification Criteria (2023). Collection method: clinical testing. Allele origin: unknown.
Comment: This variant is considered pathogenic. This variant creates a termination codon and is predicted to result in premature protein truncation.

Labcorp Genetics (formerly Invitae), Labcorp
Classification: Pathogenic for Familial adenomatous polyposis 1. Last evaluated: 2022-08-11. Review status: criteria provided, single submitter. Criteria: Invitae Variant Classification Sherloc (09022015). Collection method: clinical testing. Allele origin: germline.
Comment: This premature translational stop signal has been observed in individual(s) with clinical features of familial adenomatous polyposis (PMID: 16650078, 20685668). For these reasons, this variant has been classified as Pathogenic. A different truncation (p.Tyr2645Lysfs*14) that lies downstream of this variant has been determined to be pathogenic (PMID: 9824584, 1316610, 27081525, 8381579, 22135120, Invitae). This suggests that deletion of this region of the APC protein is causative of disease. This variant is expected to disrupt the EB1 and HDLG binding sites, which mediate interactions with the cytoskeleton (PMID: 15311282, 17293347). While functional studies have not been performed to directly test the effect on APC protein function, this suggests that disruption of the C-terminal portion of the protein is functionally important. ClinVar contains an entry for this variant (Variation ID: 1070306). This variant is not present in population databases (gnomAD no frequency). This sequence change creates a premature translational stop signal (p.Gln1242*) in the APC gene. While this is not anticipated to result in nonsense mediated decay, it is expected to disrupt the last 1602 amino acid(s) of the APC protein.

deCODE genetics, Amgen
Classification: Likely pathogenic for Familial adenomatous polyposis 1. Last evaluated: 2023-07-21. Review status: no assertion criteria provided. Collection method: research. Allele origin: germline. Affected: yes. Observed: 1 variant allele. Not counted in ClinVar's aggregate classification.
Comment: The variant NM_000038.6:c.3724C>T (chr5:112839318) in APC was detected in 1 heterozygote out of 58K WGS Icelanders (MAF= 0,001%). This variant has been reported in ClinVar previously as pathogenic. Based on ACMG criteria (PVS1, PM2) this variant classifies as likely pathogenic.

Literature cited by the submitters: PubMed 16650078 (cited by Labcorp Genetics (formerly Invitae), Labcorp); PubMed 20685668 (cited by Labcorp Genetics (formerly Invitae), Labcorp); PubMed 9824584 (cited by Labcorp Genetics (formerly Invitae), Labcorp); PubMed 1316610 (cited by Labcorp Genetics (formerly Invitae), Labcorp); PubMed 27081525 (cited by Labcorp Genetics (formerly Invitae), Labcorp); PubMed 8381579 (cited by Labcorp Genetics (formerly Invitae), Labcorp); PubMed 22135120 (cited by Labcorp Genetics (formerly Invitae), Labcorp); PubMed 15311282 (cited by Labcorp Genetics (formerly Invitae), Labcorp); PubMed 17293347 (cited by Labcorp Genetics (formerly Invitae), Labcorp).